The following is an entry in ClinVar:

ClinVar aggregate classification (germline): Pathogenic (1 of 4 stars; one submission).

Conditions:
Hereditary cancer-predisposing syndrome. Also called: Neoplastic Syndromes, Hereditary; Tumor predisposition; Hereditary Cancer Syndrome; Hereditary neoplastic syndrome. Identifiers: Orphanet 140162, MedGen C0027672, MeSH D009386, MONDO:0015356.

Submission:

Ambry Genetics
Classification: Pathogenic for Hereditary cancer-predisposing syndrome. Last evaluated: 2025-08-19. Review status: criteria provided, single submitter. Criteria: Ambry Variant Classification Scheme 2023. Collection method: clinical testing. Allele origin: germline.
Comment: The c.1651_1654dupCGTG pathogenic mutation, located in coding exon 13 of the BAP1 gene, results from a duplication of CGTG at nucleotide position 1651, causing a translational frameshift with a predicted alternate stop codon (p.D552Afs*2). This variant was reported in individual(s) with features consistent with BAP1-related tumor predisposition syndrome (Ambry internal data). This variant is considered to be rare based on population cohorts in the Genome Aggregation Database (gnomAD). This alteration is expected to result in loss of function by premature protein truncation or nonsense-mediated mRNA decay. As such, this alteration is interpreted as a disease-causing mutation.

NM_004656.4(BAP1):c.1651_1654dup (p.Asp552delinsAlaTer)

Gene: BAP1 (BRCA1 associated deubiquitinase 1; minus strand). Cytogenetic location: 3p21.1.
Variant type: Duplication.
Coding change: c.1651_1654dup on transcript NM_004656.4 (MANE Select); coding-DNA positions 1651 to 1654, 4 bases duplicated (CGTG; older notation c.1651_1654dupCGTG).
Protein change: p.Asp552delinsAlaTer.
Molecular consequence: nonsense. On other transcripts: frameshift variant (1).
Genome position (GRCh38, 1-based): chr3:52,403,491-52,403,494, CACG duplicated on the plus strand (CGTG on the coding strand, the reverse complement: BAP1 is on the minus strand). VCF-style (leftmost placement, unchanged base first): chr3-52403490-T-TCACG. GRCh37 (hg19) VCF-style: chr3-52437506-T-TCACG.
Other names: c.1597_1600dup, p.Asp534delinsAlaTer (NM_001410772.1); c.1651_1654dupCGTG (NM_004656.2).
Identifiers: ClinVar variation 4194660 (VCV004194660.1).